The following is an entry in ClinVar:

NM_013254.4(TBK1):c.1863-1G>A

Gene: TBK1 (TANK binding kinase 1; plus strand). Cytogenetic location: 12q14.2.
Variant type: single nucleotide variant.
Coding change: c.1863-1G>A on transcript NM_013254.4 (MANE Select); the canonical splice acceptor site of the intron before coding-DNA position 1863, G replaced by A.
Molecular consequence: splice acceptor variant.
Genome position (GRCh38, 1-based): chr12:64,497,162, G>A. VCF-style: chr12-64497162-G-A. GRCh37 (hg19) VCF-style: chr12-64890942-G-A.
Identifiers: ClinVar variation 2849519 (VCV002849519.3), dbSNP rs2539537429, ClinGen allele CA385605880.

ClinVar aggregate classification (germline): Likely pathogenic (1 of 4 stars; one submission).

Conditions:
Frontotemporal dementia and/or amyotrophic lateral sclerosis 4. Also called: FTDALS4. Identifiers: Orphanet 275872, MedGen C4225325, MONDO:0014641, OMIM 616439.

Submission:

Labcorp Genetics (formerly Invitae), Labcorp
Classification: Likely pathogenic for Frontotemporal dementia and/or amyotrophic lateral sclerosis 4. Last evaluated: 2024-12-28. Review status: criteria provided, single submitter. Criteria: Invitae Variant Classification Sherloc (09022015). Collection method: clinical testing. Allele origin: germline.
Comment: This sequence change affects an acceptor splice site in intron 17 of the TBK1 gene. It is expected to disrupt RNA splicing. Variants that disrupt the donor or acceptor splice site typically lead to a loss of protein function (PMID: 16199547), and loss-of-function variants in TBK1 are known to be pathogenic (PMID: 25803835, 26476236, 26581300). This variant is not present in population databases (gnomAD no frequency). Disruption of this splice site has been observed in individual(s) with clinical features of TBK1-related conditions (internal data). ClinVar contains an entry for this variant (Variation ID: 2849519). Algorithms developed to predict the effect of sequence changes on RNA splicing suggest that this variant may disrupt the consensus splice site. In summary, the currently available evidence indicates that the variant is pathogenic, but additional data are needed to prove that conclusively. Therefore, this variant has been classified as Likely Pathogenic.

Literature cited by the submitters: PubMed 16199547; PubMed 25803835; PubMed 26476236; PubMed 26581300.